The following is an entry in ClinVar:

NM_002180.3(IGHMBP2):c.121C>T (p.Gln41Ter)

Gene: IGHMBP2 (immunoglobulin mu DNA binding protein 2; plus strand). Cytogenetic location: 11q13.3.
Variant type: single nucleotide variant.
Coding change: c.121C>T on transcript NM_002180.3 (MANE Select); coding-DNA position 121, C replaced by T.
Protein change: p.Gln41Ter; replaces glutamine 41 with a stop codon.
Molecular consequence: nonsense.
Genome position (GRCh38, 1-based): chr11:68,906,103, C>T. VCF-style: chr11-68906103-C-T. GRCh37 (hg19) VCF-style: chr11-68673571-C-T.
Other names: short protein forms Q41*.
Identifiers: ClinVar variation 9115 (VCV000009115.5), dbSNP rs137852668, ClinGen allele CA254648.

ClinVar aggregate classification (germline): Pathogenic. Review status: criteria provided, single submitter (1 of 4 stars). 2 submissions from 2 submitters: Pathogenic (1). 1 of the submissions does not count toward it. Last evaluated 2024-04-29.

Conditions:
Autosomal recessive distal spinal muscular atrophy 1. Also called: NEURONOPATHY, DISTAL HEREDITARY MOTOR, HARDING TYPE VI; NEUROPATHY, DISTAL HEREDITARY MOTOR, AUTOSOMAL RECESSIVE 1; Spinal muscular atrophy with respiratory distress 1; HMN VI; NEURONOPATHY, SEVERE INFANTILE AXONAL, WITH RESPIRATORY FAILURE; SEVERE INFANTILE AXONAL NEUROPATHY WITH RESPIRATORY FAILURE. Identifiers: Orphanet 98920, MedGen C1858517, MONDO:0011436, OMIM 604320.
Charcot-Marie-Tooth disease axonal type 2S. Also called: CHARCOT-MARIE-TOOTH DISEASE, AXONAL, AUTOSOMAL RECESSIVE, TYPE 2S; CHARCOT-MARIE-TOOTH NEUROPATHY, TYPE 2S. Identifiers: Orphanet 443073, MedGen C4015349, MONDO:0014511, OMIM 616155.

Allele frequency attached by ClinVar (database versions not stated): TOPMed below 0.00001; gnomAD exomes 0.00001.

Submissions (2):

Labcorp Genetics (formerly Invitae), Labcorp
Classification: Pathogenic for Autosomal recessive distal spinal muscular atrophy 1; Charcot-Marie-Tooth disease axonal type 2S. Last evaluated: 2024-04-29. Review status: criteria provided, single submitter. Criteria: Invitae Variant Classification Sherloc (09022015). Collection method: clinical testing. Allele origin: germline.
Comment: This sequence change creates a premature translational stop signal (p.Gln41*) in the IGHMBP2 gene. It is expected to result in an absent or disrupted protein product. Loss-of-function variants in IGHMBP2 are known to be pathogenic (PMID: 14681881, 25439726, 25568292). This variant is not present in population databases (gnomAD no frequency). This premature translational stop signal has been observed in individual(s) with clinical features of IGHMBP2-related conditions (PMID: 11528396). ClinVar contains an entry for this variant (Variation ID: 9115). For these reasons, this variant has been classified as Pathogenic.

OMIM
Classification: Pathogenic for NEURONOPATHY, DISTAL HEREDITARY MOTOR, AUTOSOMAL RECESSIVE 1. Last evaluated: 2001-09-01. Review status: no assertion criteria provided. Collection method: literature only. Allele origin: germline. Not counted in ClinVar's aggregate classification.

Literature cited by the submitters: PubMed 14681881 (cited by Labcorp Genetics (formerly Invitae), Labcorp); PubMed 25439726 (cited by Labcorp Genetics (formerly Invitae), Labcorp); PubMed 25568292 (cited by Labcorp Genetics (formerly Invitae), Labcorp); PubMed 11528396 (cited by Labcorp Genetics (formerly Invitae), Labcorp and OMIM).